The following is an entry in ClinVar:

ClinVar aggregate classification (germline): Uncertain significance. Review status: criteria provided, multiple submitters, no conflicts (2 of 4 stars). 2 submissions from 2 submitters: Uncertain significance (2). Last evaluated 2017-09-28.

gnomAD v4.1: 1 of 1,613,170 alleles (0.000062%); no homozygotes.

Submissions (2):

Blueprint Genetics
Classification: Uncertain significance. Last evaluated: 2017-09-28. Review status: criteria provided, single submitter. Criteria: ACMG Guidelines, 2015. Collection method: clinical testing. Allele origin: germline.

Laboratory for Molecular Medicine, Mass General Brigham Personalized Medicine
Classification: Uncertain significance. Last evaluated: 2015-03-23. Review status: criteria provided, single submitter. Criteria: LMM Criteria. Collection method: clinical testing. Allele origin: germline. Observed: 1 variant allele.
Comment: The p.Pro1654Ala variant in TTN has not been previously reported in individuals with cardiomyopathy or in large population studies. Computational prediction too ls and conservation analysis suggest that this variant may impact the protein, t hough this information is not predictive enough to determine pathogenicity. In s ummary, the clinical significance of the p.Pro1654Ala variant is uncertain.

NM_001267550.2(TTN):c.4960C>G (p.Pro1654Ala)

Gene: TTN (titin; minus strand). Cytogenetic location: 2q31.2.
Variant type: single nucleotide variant.
Coding change: c.4960C>G on transcript NM_001267550.2 (MANE Select); coding-DNA position 4960, C replaced by G.
Protein change: p.Pro1654Ala; replaces proline 1654 with alanine.
Molecular consequence: missense variant.
Genome position (GRCh38, 1-based): chr2:178,776,904, G>C on the plus strand (C>G on the coding strand, the complement: TTN is on the minus strand). VCF-style: chr2-178776904-G-C. GRCh37 (hg19) VCF-style: chr2-179641631-G-C.
Other names: c.4960C>G, p.Pro1654Ala (NM_001256850.1, NM_133379.5, NM_133378.4); c.4822C>G, p.Pro1608Ala (NM_003319.4, NM_133432.3, NM_133437.4); short protein forms P1654A, P1608A.
Identifiers: ClinVar variation 229471 (VCV000229471.6), dbSNP rs876658070, ClinGen allele CA10576576.